The following is an entry in ClinVar:

NM_000465.4(BARD1):c.623_624insT (p.Lys208fs)

Gene: BARD1 (BRCA1 associated RING domain 1; minus strand). Cytogenetic location: 2q35.
Variant type: Insertion.
Coding change: c.623_624insT on transcript NM_000465.4 (MANE Select); coding-DNA positions 623 to 624, T inserted.
Protein change: p.Lys208fs; shifts the reading frame from lysine 208.
Molecular consequence: frameshift variant. On other transcripts: non-coding transcript variant (2), intron variant (3).
Genome position: GRCh38 VCF-style: chr2-214781250-C-CA. GRCh37 (hg19) VCF-style: chr2-215645974-C-CA.
Other names: c.566_567insT, p.Lys189fs (NM_001282543.2); c.158+28161_158+28162insT (NM_001282548.2); c.215+15810_215+15811insT (NM_001282545.2); c.364+11046_364+11047insT (NM_001282549.2); c.623_624insT (NM_000465.2); short protein forms K189fs, K208fs.
Identifiers: ClinVar variation 925573 (VCV000925573.8), dbSNP rs1695009134, ClinGen allele CA913188023.

ClinVar aggregate classification (germline): Pathogenic. Review status: criteria provided, multiple submitters, no conflicts (2 of 4 stars). 3 submissions from 3 submitters: Pathogenic (3). Last evaluated 2025-02-26.

Conditions:
Familial cancer of breast. Also called: BREAST CANCER, FAMILIAL; Hereditary breast cancer; hereditary breast carcinoma. Identifiers: Orphanet 227535, MedGen C0346153, MONDO:0016419, OMIM 114480. Disease mechanism: loss of function.
Hereditary cancer-predisposing syndrome. Also called: Neoplastic Syndromes, Hereditary; Tumor predisposition; Hereditary Cancer Syndrome; Hereditary neoplastic syndrome. Identifiers: Orphanet 140162, MedGen C0027672, MeSH D009386, MONDO:0015356.

Allele frequency attached by ClinVar (database versions not stated): gnomAD exomes below 0.00001.

Submissions (3):

Ambry Genetics
Classification: Pathogenic for Hereditary cancer-predisposing syndrome. Last evaluated: 2025-02-26. Review status: criteria provided, single submitter. Criteria: Ambry Variant Classification Scheme 2023. Collection method: clinical testing. Allele origin: germline.
Comment: The c.623_624insT pathogenic mutation, located in coding exon 4 of the BARD1 gene, results from an insertion of one nucleotide at position 623, causing a translational frameshift with a predicted alternate stop codon (p.K208Nfs*6). This alteration is expected to result in loss of function by premature protein truncation or nonsense-mediated mRNA decay. As such, this alteration is interpreted as a disease-causing mutation.

Myriad Genetics, Inc.
Classification: Pathogenic for Familial cancer of breast. Last evaluated: 2023-05-19. Review status: criteria provided, single submitter. Criteria: Myriad Autosomal Dominant, Autosomal Recessive and X-Linked Classification Criteria (2023). Collection method: clinical testing. Allele origin: unknown.
Comment: This variant is considered pathogenic. This variant creates a frameshift predicted to result in premature protein truncation.

Color Diagnostics, LLC DBA Color Health
Classification: Pathogenic for Hereditary cancer-predisposing syndrome. Last evaluated: 2020-05-20. Review status: criteria provided, single submitter. Criteria: ACMG Guidelines, 2015. Collection method: clinical testing. Allele origin: germline.
Comment: This variant inserts 1 nucleotide in exon 4 of the BARD1 gene, creating a frameshift and premature translation stop signal. This variant is expected to result in an absent or non-functional protein product. To our knowledge, this variant has not been reported in individuals affected with hereditary cancer in the literature. This variant has not been identified in the general population by the Genome Aggregation Database (gnomAD). Loss of BARD1 function is a known mechanism of disease. Based on the available evidence, this variant is classified as Pathogenic.